The following is an entry in ClinVar:

NM_133642.5(LARGE1):c.594C>A (p.Phe198Leu)

Gene: LARGE1 (LARGE xylosyl- and glucuronyltransferase 1; minus strand). Cytogenetic location: 22q12.3.
Variant type: single nucleotide variant.
Coding change: c.594C>A on transcript NM_133642.5 (MANE Select); coding-DNA position 594, C replaced by A.
Protein change: p.Phe198Leu; replaces phenylalanine 198 with leucine.
Molecular consequence: missense variant.
Genome position (GRCh38, 1-based): chr22:33,604,456, G>T on the plus strand (C>A on the coding strand, the complement: LARGE1 is on the minus strand). VCF-style: chr22-33604456-G-T. GRCh37 (hg19) VCF-style: chr22-34000442-G-T.
Other names: c.594C>A, p.Phe198Leu (NM_001362949.2, NM_001362951.2, NM_001362953.2 and 7 more transcripts); short protein forms F198L.
Identifiers: ClinVar variation 1914326 (VCV001914326.5), dbSNP rs1569305972, ClinGen allele CA411546674.

ClinVar aggregate classification (germline): Uncertain significance (1 of 4 stars; one submission).

Conditions:
Muscular dystrophy-dystroglycanopathy type B6 (MDDGB6). Also called: MUSCULAR DYSTROPHY-DYSTROGLYCANOPATHY (CONGENITAL WITH IMPAIRED INTELLECTUAL DEVELOPMENT), TYPE B, 6; MUSCULAR DYSTROPHY, CONGENITAL, LARGE-RELATED; MUSCULAR DYSTROPHY, CONGENITAL, TYPE 1D. Identifiers: MedGen C1837229, MONDO:0012138, OMIM 608840.

Allele frequency attached by ClinVar (database versions not stated): gnomAD exomes below 0.00001.
gnomAD v4.1: 3 of 1,614,118 alleles (0.00019%); highest among the groups gnomAD compares: Non-Finnish European, 0.00025%; no homozygotes.

Submission:

Labcorp Genetics (formerly Invitae), Labcorp
Classification: Uncertain significance for Muscular dystrophy-dystroglycanopathy type B6. Last evaluated: 2022-06-23. Review status: criteria provided, single submitter. Criteria: Invitae Variant Classification Sherloc (09022015). Collection method: clinical testing. Allele origin: germline.
Comment: This variant has not been reported in the literature in individuals affected with LARGE1-related conditions. This variant is not present in population databases (gnomAD no frequency). This sequence change replaces phenylalanine, which is neutral and non-polar, with leucine, which is neutral and non-polar, at codon 198 of the LARGE1 protein (p.Phe198Leu). Algorithms developed to predict the effect of missense changes on protein structure and function are either unavailable or do not agree on the potential impact of this missense change (SIFT: "Tolerated"; PolyPhen-2: "Probably Damaging"; Align-GVGD: "Class C0"). In summary, the available evidence is currently insufficient to determine the role of this variant in disease. Therefore, it has been classified as a Variant of Uncertain Significance.